The following is an entry in ClinVar:

NM_001384125.1(BLTP1):c.13941A>G (p.Val4647=)

Gene: BLTP1 (bridge-like lipid transfer protein family member 1; plus strand). Cytogenetic location: 4q27.
Variant type: single nucleotide variant.
Coding change: c.13941A>G on transcript NM_001384125.1 (MANE Select); coding-DNA position 13941, A replaced by G.
Protein change: p.Val4647=; no amino-acid change (valine 4647 retained).
Molecular consequence: synonymous variant.
Genome position (GRCh38, 1-based): chr4:122,349,902, A>G. VCF-style: chr4-122349902-A-G. GRCh37 (hg19) VCF-style: chr4-123271057-A-G.
Other names: c.13677A>G, p.Val4559= (NM_015312.4).
Identifiers: ClinVar variation 3040334 (VCV003040334.2), dbSNP rs756805280, ClinGen allele CA3068265.

ClinVar aggregate classification (germline): Likely benign (0 of 4 stars; one submission).

Conditions:
BLTP1-related disorder. Also called: BLTP1-related condition.

Allele frequency attached by ClinVar (database versions not stated): TOPMed 0.00001; gnomAD 0.00002; gnomAD exomes 0.00002; ExAC 0.00007.
gnomAD v4.1: 27 of 1,613,602 alleles (0.0017%); highest among the groups gnomAD compares: Admixed American, 0.045%; no homozygotes.

Submission:

PreventionGenetics, part of Exact Sciences
Classification: Likely benign for BLTP1-related condition. Last evaluated: 2019-09-23. Review status: no assertion criteria provided. Collection method: clinical testing. Allele origin: germline.
Comment: This variant is classified as likely benign based on ACMG/AMP sequence variant interpretation guidelines (Richards et al. 2015 PMID: 25741868, with internal and published modifications).